The following is an entry in ClinVar:

NM_000789.4(ACE):c.2192_2193inv (p.Ala731Val)

Gene: ACE (angiotensin I converting enzyme; plus strand). Cytogenetic location: 17q23.3.
Variant type: Inversion.
Coding change: c.2192_2193inv on transcript NM_000789.4 (MANE Select).
Protein change: p.Ala731Val; replaces alanine 731 with valine.
Molecular consequence: missense variant.
Genome position: GRCh38 VCF-style: chr17-63486690-CA-TG. GRCh37 (hg19) VCF-style: chr17-61564051-CA-TG.
Other names: c.2192_2193delinsTG (NM_000789.4); c.470_471inv, p.Ala157Val (NM_001178057.2, NM_152830.3); short protein forms A157V, A731V.
Identifiers: ClinVar variation 591679 (VCV000591679.6), ClinGen allele CA891863073.

ClinVar aggregate classification (germline): Uncertain significance. Review status: criteria provided, multiple submitters, no conflicts (2 of 4 stars). 3 submissions from 3 submitters: Uncertain significance (2). 1 of the submissions does not count toward it. Last evaluated 2025-06-12.

Conditions:
Renal tubular dysgenesis of genetic origin. Also called: PRIMITIVE RENAL TUBULE SYNDROME. Identifiers: Orphanet 97369, MedGen C5681536, MONDO:0009970, OMIM 267430.
Hemorrhage, intracerebral, susceptibility to (ICH). Also called: Stroke, hemorrhagic, susceptibility to. Identifiers: MedGen C3281105, MONDO:0100533, OMIM 614519.
Microvascular complications of diabetes, susceptibility to, 3. Identifiers: MedGen C2675470, MONDO:0012963, OMIM 612624.

Submissions (3):

Labcorp Genetics (formerly Invitae), Labcorp
Classification: Uncertain significance. Last evaluated: 2025-06-12. Review status: criteria provided, single submitter. Criteria: Invitae Variant Classification Sherloc (09022015). Collection method: clinical testing. Allele origin: germline.
Comment: This sequence change replaces alanine, which is neutral and non-polar, with valine, which is neutral and non-polar, at codon 731 of the ACE protein (p.Ala731Val). This variant is present in population databases (no rsID available, gnomAD 0.0007%). This variant has not been reported in the literature in individuals affected with ACE-related conditions. ClinVar contains an entry for this variant (Variation ID: 591679). An algorithm developed to predict the effect of missense changes on protein structure and function (PolyPhen-2) suggests that this variant is likely to be tolerated. In summary, the available evidence is currently insufficient to determine the role of this variant in disease. Therefore, it has been classified as a Variant of Uncertain Significance.

Fulgent Genetics
Classification: Uncertain significance for Renal tubular dysgenesis of genetic origin; Microvascular complications of diabetes, susceptibility to, 3; Hemorrhage, intracerebral, susceptibility to. Last evaluated: 2022-01-03. Review status: criteria provided, single submitter. Criteria: ACMG Guidelines, 2015. Collection method: clinical testing. Allele origin: unknown.

Gharavi Laboratory, Columbia University
Classification: Uncertain significance. Last evaluated: 2018-09-16. Review status: no assertion criteria provided. Criteria: ACMG Guidelines, 2015. Collection method: research. Allele origin: germline. Affected: yes. Not counted in ClinVar's aggregate classification.